The following is an entry in ClinVar:

ClinVar aggregate classification (germline): Uncertain significance (1 of 4 stars; one submission).

gnomAD v4.1: 15 of 1,612,168 alleles (0.00093%); highest among the groups gnomAD compares: Non-Finnish European, 0.0011%; no homozygotes.

Submission:

Labcorp Genetics (formerly Invitae), Labcorp
Classification: Uncertain significance. Last evaluated: 2024-10-25. Review status: criteria provided, single submitter. Criteria: Invitae Variant Classification Sherloc (09022015). Collection method: clinical testing. Allele origin: germline.
Comment: This sequence change replaces arginine, which is basic and polar, with glycine, which is neutral and non-polar, at codon 2853 of the ASPM protein (p.Arg2853Gly). This variant is present in population databases (rs150424130, gnomAD 0.003%). This variant has not been reported in the literature in individuals affected with ASPM-related conditions. An algorithm developed to predict the effect of missense changes on protein structure and function outputs the following: PolyPhen-2: "Possibly Damaging". The glycine amino acid residue is found in multiple mammalian species, which suggests that this missense change does not adversely affect protein function. In summary, the available evidence is currently insufficient to determine the role of this variant in disease. Therefore, it has been classified as a Variant of Uncertain Significance.

NM_018136.5(ASPM):c.8557C>G (p.Arg2853Gly)

Gene: ASPM (assembly factor for spindle microtubules; minus strand). Cytogenetic location: 1q31.3.
Variant type: single nucleotide variant.
Coding change: c.8557C>G on transcript NM_018136.5 (MANE Select); coding-DNA position 8557, C replaced by G.
Protein change: p.Arg2853Gly; replaces arginine 2853 with glycine.
Molecular consequence: missense variant. On other transcripts: intron variant (1).
Genome position (GRCh38, 1-based): chr1:197,100,694, G>C on the plus strand (C>G on the coding strand, the complement: ASPM is on the minus strand). VCF-style: chr1-197100694-G-C. GRCh37 (hg19) VCF-style: chr1-197069824-G-C.
Other names: c.4066-4530C>G (NM_001206846.2); short protein forms R2853G.
Identifiers: ClinVar variation 4752955 (VCV004752955.1).